The following is an entry in ClinVar:

ClinVar aggregate classification (germline): Uncertain significance (1 of 4 stars; one submission).

Conditions:
Glycogen storage disease, type V (GSD5). Also called: MCARDLE DISEASE; MUSCLE GLYCOGEN PHOSPHORYLASE DEFICIENCY; MYOPHOSPHORYLASE DEFICIENCY; PYGM DEFICIENCY; McArdle type glycogen storage disease. Identifiers: Orphanet 368, MedGen C0017924, MONDO:0009293, OMIM 232600.

Allele frequency attached by ClinVar (database versions not stated): gnomAD 0.00001; TOPMed 0.00001; gnomAD exomes 0.00003.

Submission:

Labcorp Genetics (formerly Invitae), Labcorp
Classification: Uncertain significance for Glycogen storage disease, type V. Last evaluated: 2022-04-25. Review status: criteria provided, single submitter. Criteria: Invitae Variant Classification Sherloc (09022015). Collection method: clinical testing. Allele origin: germline.
Comment: This sequence change replaces glutamic acid, which is acidic and polar, with glycine, which is neutral and non-polar, at codon 27 of the PYGM protein (p.Glu27Gly). This variant is present in population databases (no rsID available, gnomAD 0.0009%). This variant has not been reported in the literature in individuals affected with PYGM-related conditions. Algorithms developed to predict the effect of missense changes on protein structure and function are either unavailable or do not agree on the potential impact of this missense change (SIFT: "Not Available"; PolyPhen-2: "Benign"; Align-GVGD: "Not Available"). In summary, the available evidence is currently insufficient to determine the role of this variant in disease. Therefore, it has been classified as a Variant of Uncertain Significance.

NM_005609.4(PYGM):c.80A>G (p.Glu27Gly)

Gene: PYGM (glycogen phosphorylase, muscle associated; minus strand). Cytogenetic location: 11q13.1.
Variant type: single nucleotide variant.
Coding change: c.80A>G on transcript NM_005609.4 (MANE Select); coding-DNA position 80, A replaced by G.
Protein change: p.Glu27Gly; replaces glutamic acid 27 with glycine.
Molecular consequence: missense variant.
Genome position (GRCh38, 1-based): chr11:64,759,819, T>C on the plus strand (A>G on the coding strand, the complement: PYGM is on the minus strand). VCF-style: chr11-64759819-T-C. GRCh37 (hg19) VCF-style: chr11-64527291-T-C.
Other names: c.80A>G, p.Glu27Gly (NM_001164716.1); short protein forms E27G.
Identifiers: ClinVar variation 2202663 (VCV002202663.1), dbSNP rs1305717617, ClinGen allele CA381112997.